The following is an entry in ClinVar:

ClinVar aggregate classification (germline): Uncertain significance (1 of 4 stars; one submission).

Conditions:
CHARGE syndrome (CHARGE). Also called: Hittner Hirsch Kreh syndrome; CHARGE ASSOCIATION--COLOBOMA, HEART ANOMALY, CHOANAL ATRESIA, RETARDATION, GENITAL AND EAR ANOMALIES; Coloboma, heart anomaly, choanal atresia, retardation, genital and ear anomalies; CHARGE association; Hall-Hittner syndrome. Identifiers: Orphanet 138, MedGen C0265354, MONDO:0008965.

Allele frequency attached by ClinVar (database versions not stated): gnomAD 0.00001.
gnomAD v4.1: 1 of 1,608,786 alleles (0.000062%); highest among the groups gnomAD compares: African/African-American, 0.0013%; no homozygotes.

Submission:

Labcorp Genetics (formerly Invitae), Labcorp
Classification: Uncertain significance for CHARGE syndrome. Last evaluated: 2020-01-16. Review status: criteria provided, single submitter. Criteria: Invitae Variant Classification Sherloc (09022015). Collection method: clinical testing. Allele origin: germline.
Comment: This sequence change falls in intron 14 of the CHD7 gene. It does not directly change the encoded amino acid sequence of the CHD7 protein, but it affects a nucleotide within the consensus splice site of the intron. This variant is not present in population databases (ExAC no frequency). This variant has not been reported in the literature in individuals with CHD7-related conditions. Nucleotide substitutions within the consensus splice site are a relatively common cause of aberrant splicing (PMID: 17576681, 9536098). In summary, the available evidence is currently insufficient to determine the role of this variant in disease. Therefore, it has been classified as a Variant of Uncertain Significance.

Literature cited by the submitters: PubMed 17576681; PubMed 9536098.

NM_017780.4(CHD7):c.3523-3T>C

Gene: CHD7 (chromodomain helicase DNA binding protein 7; plus strand). Cytogenetic location: 8q12.2.
Variant type: single nucleotide variant.
Coding change: c.3523-3T>C on transcript NM_017780.4 (MANE Select); 3 bases into the intron before coding-DNA position 3523, T replaced by C.
Molecular consequence: intron variant.
Genome position (GRCh38, 1-based): chr8:60,830,319, T>C. VCF-style: chr8-60830319-T-C. GRCh37 (hg19) VCF-style: chr8-61742878-T-C.
Other names: c.1717-31910T>C (NM_001316690.1).
Identifiers: ClinVar variation 1051650 (VCV001051650.9), dbSNP rs1804451088, ClinGen allele CA1114443313.